The following is an entry in ClinVar:

ClinVar aggregate classification (germline): Pathogenic (1 of 4 stars; one submission).

Conditions:
Developmental and epileptic encephalopathy, 23 (DEE23). Also called: Epileptic encephalopathy, early infantile, 23. Identifiers: Orphanet 411986, MedGen C4014492, MONDO:0014371, OMIM 615859.

Allele frequency attached by ClinVar (database versions not stated): TOPMed below 0.00001.

Submission:

Labcorp Genetics (formerly Invitae), Labcorp
Classification: Pathogenic for Developmental and epileptic encephalopathy, 23. Last evaluated: 2022-02-10. Review status: criteria provided, single submitter. Criteria: Invitae Variant Classification Sherloc (09022015). Collection method: clinical testing. Allele origin: germline.
Comment: For these reasons, this variant has been classified as Pathogenic. This variant has not been reported in the literature in individuals affected with DOCK7-related conditions. This variant is not present in population databases (gnomAD no frequency). This sequence change creates a premature translational stop signal (p.Asn1786Leufs*72) in the DOCK7 gene. It is expected to result in an absent or disrupted protein product. Loss-of-function variants in DOCK7 are known to be pathogenic (PMID: 24814191).

Literature cited by the submitters: PubMed 24814191.

NM_001367561.1(DOCK7):c.5381_5382dup (p.Asn1795fs)

Gene: DOCK7 (dedicator of cytokinesis 7; minus strand). Cytogenetic location: 1p31.3.
Variant type: Duplication.
Coding change: c.5381_5382dup on transcript NM_001367561.1 (MANE Select); coding-DNA positions 5381 to 5382, 2 bases duplicated (TT; older notation c.5381_5382dupTT).
Protein change: p.Asn1795fs; shifts the reading frame from asparagine 1795.
Molecular consequence: frameshift variant.
Genome position (GRCh38, 1-based): chr1:62,489,045-62,489,046, AA duplicated on the plus strand (TT on the coding strand, the reverse complement: DOCK7 is on the minus strand). VCF-style (leftmost placement, unchanged base first): chr1-62489044-T-TAA. GRCh37 (hg19) VCF-style: chr1-62954715-T-TAA.
Other names: c.5354_5355dup, p.Asn1786fs (NM_001271999.2, NM_001330614.2); c.5261_5262dup, p.Asn1755fs (NM_001272000.2, NM_001272001.2); c.5288_5289dup, p.Asn1764fs (NM_033407.4); short protein forms N1755fs, N1764fs, N1786fs, N1795fs.
Identifiers: ClinVar variation 1454544 (VCV001454544.6), dbSNP rs1305460528, ClinGen allele CA737717709.
Genomic context (GRCh38, chr1:62,489,044, plus strand): 5'-ATAGTTTCTTTGCATCCCGATTAGCTTCATGAATAGGAATAAGTACTTTGTAAACTTCAT[T>TAA]AACTGCTTCATACATGCCAGCCTATAAGAAAAAATTTTGTTAAGATGTTGCTTTCTTTTA-3'